The following is an entry in ClinVar:

NM_001134831.2(AHI1):c.2808A>G (p.Thr936=)

Gene: AHI1 (Abelson helper integration site 1; minus strand). Cytogenetic location: 6q23.3.
Variant type: single nucleotide variant.
Coding change: c.2808A>G on transcript NM_001134831.2 (MANE Select); coding-DNA position 2808, A replaced by G.
Protein change: p.Thr936=; no amino-acid change (threonine 936 retained).
Molecular consequence: synonymous variant.
Genome position (GRCh38, 1-based): chr6:135,411,501, T>C on the plus strand (A>G on the coding strand, the complement: AHI1 is on the minus strand). VCF-style: chr6-135411501-T-C. GRCh37 (hg19) VCF-style: chr6-135732639-T-C.
Other names: c.2808A>G, p.Thr936= (NM_001134830.2, NM_001134832.2, NM_001350503.2 and 2 more transcripts).
Identifiers: ClinVar variation 195519 (VCV000195519.42), dbSNP rs373772212, ClinGen allele CA241966.

ClinVar aggregate classification (germline): Conflicting classifications of pathogenicity. Review status: criteria provided, conflicting classifications (1 of 4 stars). 6 submissions from 6 submitters: Uncertain significance (1); Likely benign (3). 2 of the submissions do not count toward it. Last evaluated 2025-12-31.

Conditions:
Joubert syndrome. Also called: Familial aplasia of the vermis; JOUBERT-BOLTSHAUSER SYNDROME. Identifiers: Orphanet 475, MedGen C5979921, MONDO:0018772.

Allele frequency attached by ClinVar (database versions not stated): gnomAD 0.00013; 1000 Genomes Project 30x 0.00016; 1000 Genomes Project 0.00020; TOPMed 0.00022; ESP Exome Variant Server 0.00033; gnomAD exomes 0.00035.
gnomAD v4.1: 536 of 1,610,314 alleles (0.033%); highest among the groups gnomAD compares: Non-Finnish European, 0.043%; no homozygotes.

Submissions (6):

Labcorp Genetics (formerly Invitae), Labcorp
Classification: Likely benign for Joubert syndrome. Last evaluated: 2025-12-31. Review status: criteria provided, single submitter. Criteria: Invitae Variant Classification Sherloc (09022015). Collection method: clinical testing. Allele origin: germline.

CeGaT Center for Human Genetics Tuebingen
Classification: Likely benign. Last evaluated: 2025-01-01. Review status: criteria provided, single submitter. Criteria: CeGaT Center For Human Genetics Tuebingen Variant Classification Criteria Version 2. Collection method: clinical testing. Allele origin: germline. Affected: yes. Observed: 2 variant alleles.
Comment: AHI1: BP4, BP7

Blueprint Genetics
Classification: Likely benign. Last evaluated: 2024-07-24. Review status: criteria provided, single submitter. Criteria: ACMG Guidelines, 2015. Collection method: clinical testing. Allele origin: germline.

Eurofins Ntd Llc (ga)
Classification: Uncertain significance. Last evaluated: 2015-01-27. Review status: criteria provided, single submitter. Criteria: EGL Classification Definitions 2015. Collection method: clinical testing. Allele origin: germline. Observed: 1 variant allele, 1 heterozygote.

Clinical Genetics DNA and cytogenetics Diagnostics Lab, Erasmus MC, Erasmus Medical Center
Classification: Likely benign. Review status: no assertion criteria provided. Collection method: clinical testing. Allele origin: germline. Affected: yes. Study: VKGL Data-share Consensus. Not counted in ClinVar's aggregate classification.

Clinical Genetics, Academic Medical Center
Classification: Benign. Review status: no assertion criteria provided. Collection method: clinical testing. Allele origin: germline. Affected: yes. Study: VKGL Data-share Consensus. Not counted in ClinVar's aggregate classification.